The following is an entry in ClinVar:

NM_005236.3(ERCC4):c.25C>G (p.Arg9Gly)

Genes: ERCC4 (ERCC excision repair 4, endonuclease catalytic subunit; plus strand), LOC130058543 (ATAC-STARR-seq lymphoblastoid active region 10486; plus strand). Cytogenetic location: 16p13.12.
Variant type: single nucleotide variant.
Coding change: c.25C>G on transcript NM_005236.3 (MANE Select); coding-DNA position 25, C replaced by G.
Protein change: p.Arg9Gly; replaces arginine 9 with glycine.
Molecular consequence: missense variant.
Genome position (GRCh38, 1-based): chr16:13,920,190, C>G. VCF-style: chr16-13920190-C-G. GRCh37 (hg19) VCF-style: chr16-14014047-C-G.
Other names: short protein forms R9G.
Identifiers: ClinVar variation 1943267 (VCV001943267.6), dbSNP rs1326609617, ClinGen allele CA394815864.

ClinVar aggregate classification (germline): Uncertain significance. Review status: criteria provided, multiple submitters, no conflicts (2 of 4 stars). 2 submissions from 2 submitters: Uncertain significance (2). Last evaluated 2025-09-26.

Conditions:
Inborn genetic diseases. Identifiers: MedGen C0950123, MeSH D030342.
Xeroderma pigmentosum, group F (XPF). Also called: XERODERMA PIGMENTOSUM, TYPE F; Xeroderma pigmentosum, type 6; XERODERMA PIGMENTOSUM VI; XP, GROUP F; XERODERMA PIGMENTOSUM, COMPLEMENTATION GROUP F; ERCC4-Related Xeroderma Pigmentosum. Identifiers: MedGen C0268140, MONDO:0010215, OMIM 278760.
Fanconi anemia complementation group Q. Identifiers: Orphanet 84, MedGen C3808988, MONDO:0014108, OMIM 615272.
Cockayne syndrome. Identifiers: Orphanet 191, MedGen C0009207, MONDO:0016006.

gnomAD v4.1: 1 of 1,606,524 alleles (0.000062%); highest among the groups gnomAD compares: African/African-American, 0.0013%; no homozygotes.

Submissions (2):

Ambry Genetics
Classification: Uncertain significance for Inborn genetic diseases. Last evaluated: 2025-09-26. Review status: criteria provided, single submitter. Criteria: Ambry Variant Classification Scheme 2023. Collection method: clinical testing. Allele origin: germline.

Labcorp Genetics (formerly Invitae), Labcorp
Classification: Uncertain significance for Fanconi anemia complementation group Q; Xeroderma pigmentosum, group F; Cockayne syndrome. Last evaluated: 2023-07-17. Review status: criteria provided, single submitter. Criteria: Invitae Variant Classification Sherloc (09022015). Collection method: clinical testing. Allele origin: germline.
Comment: Algorithms developed to predict the effect of missense changes on protein structure and function output the following: SIFT: "Not Available"; PolyPhen-2: "Benign"; Align-GVGD: "Not Available". The glycine amino acid residue is found in multiple mammalian species, which suggests that this missense change does not adversely affect protein function. ClinVar contains an entry for this variant (Variation ID: 1943267). This variant has not been reported in the literature in individuals affected with ERCC4-related conditions. This variant is not present in population databases (gnomAD no frequency). This sequence change replaces arginine, which is basic and polar, with glycine, which is neutral and non-polar, at codon 9 of the ERCC4 protein (p.Arg9Gly). In summary, the available evidence is currently insufficient to determine the role of this variant in disease. Therefore, it has been classified as a Variant of Uncertain Significance.